The following is an entry in ClinVar:

ClinVar aggregate classification (germline): Uncertain significance (1 of 4 stars; one submission).

Conditions:
Developmental delay, impaired growth, dysmorphic facies, and axonal neuropathy. Identifiers: MedGen C5436781, MONDO:0030835, OMIM 619090.

Submission:

3billion
Classification: Uncertain significance for Developmental delay, impaired growth, dysmorphic facies, and axonal neuropathy. Last evaluated: 2025-12-19. Review status: criteria provided, single submitter. Criteria: ACMG Guidelines, 2015. Collection method: clinical testing. Allele origin: germline. Affected: yes.
Comment: The variant is not observed in the gnomAD v4.1.0 dataset. Predicted Consequence/Location: Missense variant. Missense changes are a common disease-causing mechanism. In silico tool predictions suggest damaging effect of the variant on gene or gene product [3Cnet: 0.77 (> 0.75, sensitivity 0.96 and precision 0.92)]. Therefore, this variant is classified as VUS according to the recommendation of ACMG/AMP guideline.

NM_001303256.3(MORC2):c.769A>G (p.Ile257Val)

Gene: MORC2 (MORC family CW-type zinc finger 2; minus strand). Cytogenetic location: 22q12.2.
Variant type: single nucleotide variant.
Coding change: c.769A>G on transcript NM_001303256.3 (MANE Select); coding-DNA position 769, A replaced by G.
Protein change: p.Ile257Val; replaces isoleucine 257 with valine.
Molecular consequence: missense variant.
Genome position (GRCh38, 1-based): chr22:30,941,488, T>C on the plus strand (A>G on the coding strand, the complement: MORC2 is on the minus strand). VCF-style: chr22-30941488-T-C. GRCh37 (hg19) VCF-style: chr22-31337475-T-C.
Other names: c.583A>G, p.Ile195Val (NM_014941.3); c.769A>G, p.Ile257Val (NM_001303257.2); short protein forms I195V, I257V.
Identifiers: ClinVar variation 4855834 (VCV004855834.1).